The following is an entry in ClinVar:

NM_015512.5(DNAH1):c.2188C>T (p.Arg730Trp)

Gene: DNAH1 (dynein axonemal heavy chain 1; plus strand). Cytogenetic location: 3p21.1.
Variant type: single nucleotide variant.
Coding change: c.2188C>T on transcript NM_015512.5 (MANE Select); coding-DNA position 2188, C replaced by T.
Protein change: p.Arg730Trp; replaces arginine 730 with tryptophan.
Molecular consequence: missense variant.
Genome position (GRCh38, 1-based): chr3:52,348,969, C>T. VCF-style: chr3-52348969-C-T. GRCh37 (hg19) VCF-style: chr3-52382985-C-T.
Other names: short protein forms R730W.
Identifiers: ClinVar variation 478423 (VCV000478423.3), dbSNP rs371359758, ClinGen allele CA2433175.

ClinVar aggregate classification (germline): Uncertain significance. Review status: criteria provided, multiple submitters, no conflicts (2 of 4 stars). 2 submissions from 2 submitters: Uncertain significance (2). Last evaluated 2025-06-10.

Conditions:
Ciliary dyskinesia, primary, 37 (CILD37). Also called: CILIARY DYSKINESIA, PRIMARY, 37, WITH OR WITHOUT SITUS INVERSUS. Identifiers: MedGen C4539798, MONDO:0033204, OMIM 617577.
Spermatogenic failure 18. Identifiers: MedGen C4539783, MONDO:0054615, OMIM 617576.

Allele frequency attached by ClinVar (database versions not stated): ExAC 0.00003; gnomAD exomes 0.00003 and 0.00007; ESP Exome Variant Server 0.00008; TOPMed 0.00009; gnomAD 0.00018 and 0.00019.
gnomAD v4.1: 68 of 1,613,386 alleles (0.0042%); highest among the groups gnomAD compares: Admixed American, 0.062%; no homozygotes.

Submissions (2):

GeneDx
Classification: Uncertain significance. Last evaluated: 2025-06-10. Review status: criteria provided, single submitter. Criteria: GeneDx Variant Classification Process June 2021. Collection method: clinical testing. Allele origin: germline. Affected: yes.
Comment: In silico analysis supports that this missense variant has a deleterious effect on protein structure/function; Has not been previously published as pathogenic or benign to our knowledge

Labcorp Genetics (formerly Invitae), Labcorp
Classification: Uncertain significance for Ciliary dyskinesia, primary, 37; Spermatogenic failure 18. Last evaluated: 2021-08-27. Review status: criteria provided, single submitter. Criteria: Invitae Variant Classification Sherloc (09022015). Collection method: clinical testing. Allele origin: germline.
Comment: This sequence change replaces arginine with tryptophan at codon 730 of the DNAH1 protein (p.Arg730Trp). The arginine residue is highly conserved and there is a moderate physicochemical difference between arginine and tryptophan. This variant is present in population databases (rs371359758, ExAC 0.01%). This variant has not been reported in the literature in individuals affected with DNAH1-related conditions. Algorithms developed to predict the effect of missense changes on protein structure and function are either unavailable or do not agree on the potential impact of this missense change (SIFT: "Deleterious"; PolyPhen-2: "Benign"; Align-GVGD: "Class C0"). In summary, the available evidence is currently insufficient to determine the role of this variant in disease. Therefore, it has been classified as a Variant of Uncertain Significance.